The following is an entry in ClinVar:

ClinVar aggregate classification (germline): Uncertain significance (1 of 4 stars; one submission).

Conditions:
Autosomal dominant nonsyndromic hearing loss 1. Also called: KONIGSMARK SYNDROME; DEAFNESS, AUTOSOMAL DOMINANT 1, WITH OR WITHOUT THROMBOCYTOPENIA. Identifiers: Orphanet 90635, MedGen C1852282, MONDO:0007424, OMIM 124900.
Progressive microcephaly-seizures-cortical blindness-developmental delay syndrome. Also called: Seizures, cortical blindness, and microcephaly syndrome. Identifiers: Orphanet 477814, MedGen C5567650, MONDO:0014714, OMIM 616632.

gnomAD v4.1: 3 of 1,614,058 alleles (0.00019%); highest among the groups gnomAD compares: East Asian, 0.0067%; no homozygotes.

Submission:

Labcorp Genetics (formerly Invitae), Labcorp
Classification: Uncertain significance for Progressive microcephaly-seizures-cortical blindness-developmental delay syndrome; Autosomal dominant nonsyndromic hearing loss 1. Last evaluated: 2024-10-24. Review status: criteria provided, single submitter. Criteria: Invitae Variant Classification Sherloc (09022015). Collection method: clinical testing. Allele origin: germline.
Comment: This sequence change replaces proline, which is neutral and non-polar, with alanine, which is neutral and non-polar, at codon 752 of the DIAPH1 protein (p.Pro752Ala). This variant is present in population databases (no rsID available, gnomAD 0.006%). This variant has not been reported in the literature in individuals affected with DIAPH1-related conditions. Experimental studies and prediction algorithms are not available or were not evaluated, and the functional significance of this variant is currently unknown. In summary, the available evidence is currently insufficient to determine the role of this variant in disease. Therefore, it has been classified as a Variant of Uncertain Significance.

NM_005219.5(DIAPH1):c.2254C>G (p.Pro752Ala)

Gene: DIAPH1 (diaphanous related formin 1; minus strand). Cytogenetic location: 5q31.3.
Variant type: single nucleotide variant.
Coding change: c.2254C>G on transcript NM_005219.5 (MANE Select); coding-DNA position 2254, C replaced by G.
Protein change: p.Pro752Ala; replaces proline 752 with alanine.
Molecular consequence: missense variant.
Genome position (GRCh38, 1-based): chr5:141,573,596, G>C on the plus strand (C>G on the coding strand, the complement: DIAPH1 is on the minus strand). VCF-style: chr5-141573596-G-C. GRCh37 (hg19) VCF-style: chr5-140953163-G-C.
Other names: c.2227C>G, p.Pro743Ala (NM_001079812.3); c.2254C>G, p.Pro752Ala (NM_001314007.2); short protein forms P743A, P752A.
Identifiers: ClinVar variation 3751230 (VCV003751230.2).